The following is an entry in ClinVar:

NM_024665.7(TBL1XR1):c.887A>G (p.His296Arg)

Genes: TBL1XR1 (TBL1X/Y related 1; minus strand), TBL1XR1-AS1 (TBL1XR1 antisense RNA 1; plus strand). Cytogenetic location: 3q26.32.
Variant type: single nucleotide variant.
Coding change: c.887A>G on transcript NM_024665.7 (MANE Select); coding-DNA position 887, A replaced by G.
Protein change: p.His296Arg; replaces histidine 296 with arginine.
Molecular consequence: missense variant.
Genome position (GRCh38, 1-based): chr3:177,046,167, T>C on the plus strand (A>G on the coding strand, the complement: TBL1XR1 is on the minus strand). VCF-style: chr3-177046167-T-C. GRCh37 (hg19) VCF-style: chr3-176763955-T-C.
Other names: c.887A>G, p.His296Arg (NM_001321193.3, NM_001321194.3, NM_001374327.1 and 2 more transcripts); c.626A>G, p.His209Arg (NM_001321195.3, NM_001374330.1); short protein forms H209R, H296R.
Identifiers: ClinVar variation 2880374 (VCV002880374.3), dbSNP rs2473692351, ClinGen allele CA355551911.
Genomic context (GRCh38, chr3:177,046,167, plus strand): 5'-ACGTAAATTATAAGAAATTTACCTGAATGAAAAGGAAACTGTTGCTTGGCTTCACCAGTA[T>C]GTGCGTCCCAAATAATTGTAGTCTGAGATTAAAAGGAAAAGAAAAATAAACTCATGGAAA-3'
Protein context (NP_078941.2, residues 286-306): VDKTTIIWDA[His296Arg]TGEAKQQFPF

ClinVar aggregate classification (germline): Uncertain significance (1 of 4 stars; one submission).

Conditions:
Pierpont syndrome (PRPTS). Identifiers: Orphanet 487825, MedGen C1865644, MONDO:0011213, OMIM 602342.

gnomAD v4.1: 2 of 1,539,262 alleles (0.00013%); highest among the groups gnomAD compares: Non-Finnish European, 0.00017%; no homozygotes.

Submission:

Labcorp Genetics (formerly Invitae), Labcorp
Classification: Uncertain significance for Pierpont syndrome. Last evaluated: 2023-12-06. Review status: criteria provided, single submitter. Criteria: Invitae Variant Classification Sherloc (09022015). Collection method: clinical testing. Allele origin: germline.
Comment: This sequence change replaces histidine, which is basic and polar, with arginine, which is basic and polar, at codon 296 of the TBL1XR1 protein (p.His296Arg). This variant is not present in population databases (gnomAD no frequency). This variant has not been reported in the literature in individuals affected with TBL1XR1-related conditions. Advanced modeling of protein sequence and biophysical properties (such as structural, functional, and spatial information, amino acid conservation, physicochemical variation, residue mobility, and thermodynamic stability) performed at Invitae indicates that this missense variant is not expected to disrupt TBL1XR1 protein function with a negative predictive value of 95%. In summary, the available evidence is currently insufficient to determine the role of this variant in disease. Therefore, it has been classified as a Variant of Uncertain Significance.